The following is an entry in ClinVar:

NM_001386140.1(MTTP):c.2685A>C (p.Ter895Cys)

Gene: MTTP (microsomal triglyceride transfer protein; plus strand). Cytogenetic location: 4q23.
Variant type: single nucleotide variant.
Coding change: c.2685A>C on transcript NM_001386140.1 (MANE Select); coding-DNA position 2685, A replaced by C.
Protein change: p.Ter895Cys.
Molecular consequence: stop lost.
Genome position (GRCh38, 1-based): chr4:99,622,848, A>C. VCF-style: chr4-99622848-A-C. GRCh37 (hg19) VCF-style: chr4-100544005-A-C.
Other names: c.2685A>C, p.Ter895Cys (NM_000253.4); c.2436A>C, p.Ter812Cys (NM_001300785.2).
Identifiers: ClinVar variation 2004990 (VCV002004990.4), dbSNP rs2476164781, ClinGen allele CA357520925.

ClinVar aggregate classification (germline): Uncertain significance (1 of 4 stars; one submission).

Submission:

Labcorp Genetics (formerly Invitae), Labcorp
Classification: Uncertain significance. Last evaluated: 2024-12-09. Review status: criteria provided, single submitter. Criteria: Invitae Variant Classification Sherloc (09022015). Collection method: clinical testing. Allele origin: germline.
Comment: This sequence change disrupts the translational stop signal of the MTTP mRNA. It is expected to extend the length of the MTTP protein by 2 additional amino acid residues. This variant is not present in population databases (gnomAD no frequency). This variant has not been reported in the literature in individuals affected with MTTP-related conditions. ClinVar contains an entry for this variant (Variation ID: 2004990). In summary, the available evidence is currently insufficient to determine the role of this variant in disease. Therefore, it has been classified as a Variant of Uncertain Significance.